The following is an entry in ClinVar:

NM_012233.3(RAB3GAP1):c.354_355delinsAT (p.Val119Leu)

Gene: RAB3GAP1 (RAB3 GTPase activating protein catalytic subunit 1; plus strand). Cytogenetic location: 2q21.3.
Variant type: Indel.
Coding change: c.354_355delinsAT on transcript NM_012233.3 (MANE Select); coding-DNA positions 354 to 355, GG replaced by AT.
Protein change: p.Val119Leu; replaces valine 119 with leucine.
Molecular consequence: missense variant.
Genome position (GRCh38, 1-based): chr2:135,093,685-135,093,686, GG replaced by AT. VCF-style: chr2-135093685-GG-AT. GRCh37 (hg19) VCF-style: chr2-135851255-GG-AT.
Other names: c.354_355delinsAT, p.Val119Leu (NM_001172435.2); short protein forms V119L.
Identifiers: ClinVar variation 1951841 (VCV001951841.5), dbSNP rs2468131208, ClinGen allele CA2580063810.

ClinVar aggregate classification (germline): Uncertain significance (1 of 4 stars; one submission).

Submission:

Labcorp Genetics (formerly Invitae), Labcorp
Classification: Uncertain significance. Last evaluated: 2022-11-01. Review status: criteria provided, single submitter. Criteria: Invitae Variant Classification Sherloc (09022015). Collection method: clinical testing. Allele origin: germline.
Comment: In summary, the available evidence is currently insufficient to determine the role of this variant in disease. Therefore, it has been classified as a Variant of Uncertain Significance. Experimental studies and prediction algorithms are not available or were not evaluated, and the functional significance of this variant is currently unknown. This variant has not been reported in the literature in individuals affected with RAB3GAP1-related conditions. Information on the frequency of this variant in the gnomAD database is not available, as this variant may be reported differently in the database. This sequence change replaces valine, which is neutral and non-polar, with leucine, which is neutral and non-polar, at codon 119 of the RAB3GAP1 protein (p.Val119Leu).